The following is an entry in ClinVar:

NM_033337.3(CAV3):c.332T>A (p.Leu111Gln)

Genes: CAV3 (caveolin 3; plus strand), OXTR (oxytocin receptor; minus strand). Cytogenetic location: 3p25.3.
Variant type: single nucleotide variant.
Coding change: c.332T>A on transcript NM_033337.3 (MANE Select); coding-DNA position 332, T replaced by A.
Protein change: p.Leu111Gln; replaces leucine 111 with glutamine.
Molecular consequence: missense variant.
Genome position (GRCh38, 1-based): chr3:8,745,743, T>A. VCF-style: chr3-8745743-T-A. GRCh37 (hg19) VCF-style: chr3-8787429-T-A.
Other names: c.332T>A, p.Leu111Gln (NM_001234.5); short protein forms L111Q.
Identifiers: ClinVar variation 3705552 (VCV003705552.2).
Genomic context (GRCh38, chr3:8,745,743, plus strand): 5'-TGTTCGCCTGCATCTCCTTCTGCCACATCTGGGCGGTGGTGCCATGCATTAAGAGCTACC[T>A]GATCGAGATCCAGTGCATCAGCCACATCTACTCACTCTGCATCCGCACCTTCTGCAACCC-3'
Protein context (NP_203123.1, residues 101-121): WAVVPCIKSY[Leu111Gln]IEIQCISHIY

ClinVar aggregate classification (germline): Uncertain significance (1 of 4 stars; one submission).

Conditions:
Long QT syndrome (LQTS). Identifiers: MedGen C0023976, MeSH D008133, MONDO:0002442. Disease mechanism: loss of function. Inheritance: Various modes of inheritance.

gnomAD v4.1: 1 of 1,614,080 alleles (0.000062%); highest among the groups gnomAD compares: Admixed American, 0.0017%; no homozygotes.

Submission:

Labcorp Genetics (formerly Invitae), Labcorp
Classification: Uncertain significance for Long QT syndrome. Last evaluated: 2024-11-03. Review status: criteria provided, single submitter. Criteria: Invitae Variant Classification Sherloc (09022015). Collection method: clinical testing. Allele origin: germline.
Comment: This sequence change replaces leucine, which is neutral and non-polar, with glutamine, which is neutral and polar, at codon 111 of the CAV3 protein (p.Leu111Gln). This variant is not present in population databases (gnomAD no frequency). This variant has not been reported in the literature in individuals affected with CAV3-related conditions. An algorithm developed to predict the effect of missense changes on protein structure and function (PolyPhen-2) suggests that this variant is likely to be tolerated. In summary, the available evidence is currently insufficient to determine the role of this variant in disease. Therefore, it has been classified as a Variant of Uncertain Significance.